The following is an entry in ClinVar:

NM_000552.5(VWF):c.4508T>A (p.Leu1503Gln)

Gene: VWF (von Willebrand factor; minus strand). Cytogenetic location: 12p13.31.
Variant type: single nucleotide variant.
Coding change: c.4508T>A on transcript NM_000552.5 (MANE Select); coding-DNA position 4508, T replaced by A.
Protein change: p.Leu1503Gln; replaces leucine 1503 with glutamine.
Molecular consequence: missense variant.
Genome position (GRCh38, 1-based): chr12:6,018,910, A>T on the plus strand (T>A on the coding strand, the complement: VWF is on the minus strand). VCF-style: chr12-6018910-A-T. GRCh37 (hg19) VCF-style: chr12-6128076-A-T.
Other names: short protein forms L1503Q.
Identifiers: ClinVar variation 100364 (VCV000100364.8), dbSNP rs61750097, ClinGen allele CA228605.

ClinVar aggregate classification (germline): Likely pathogenic. Review status: criteria provided, single submitter (1 of 4 stars). 2 submissions from 2 submitters: Likely pathogenic (1). 1 of the submissions does not count toward it. Last evaluated 2018-05-10.

gnomAD v4.1: 1 of 1,609,286 alleles (0.000062%); no homozygotes.

Submissions (2):

ARUP Laboratories, Molecular Genetics and Genomics, ARUP Laboratories
Classification: Likely pathogenic. Last evaluated: 2018-05-10. Review status: criteria provided, single submitter. Criteria: ARUP Molecular Germline Variant Investigation Process. Collection method: clinical testing. Allele origin: germline.
Comment: The VWF c.4508T>A; Functional in vitro studies by these authors reported increased proteolytic cleavage associated with multimer loss. Additionally, other variants in this codon, p.Leu1503Arg and p.Leu1503Pro, are also described in individuals with VWD2A (see link to VWF database, Kashiwagi 2008). The p.Leu1503Gln variant is reported in the ClinVar database (Variation ID: 100364) without a provided classification, but is absent from general population databases (1000 Genomes Project, Exome Variant Server, and Genome Aggregation Database), indicating it is not a common polymorphism. The leucine at codon 1503 is moderately conserved across species and computational analyses (SIFT, PolyPhen-2) predict that this variant is deleterious. Considering available information, this variant is classified as likely pathogenic. References: Link to VWF database: Kashiwagi T et al. VWF multimers: an analysis of two patients with type 2A von Willebrand disease. Haemophilia. 2008 May;14(3):556-63. Michiels JJ et al. Dominant von Willebrand disease type 2A groups I and II due to missense mutations in the A2 domain of the von Willebrand factor gene: diagnosis and management. Acta Haematol. 2009;121(2-3):154-66.

Academic Unit of Haematology, University of Sheffield
No classification provided. Review status: no classification provided. Collection method: not provided. Allele origin: not provided. Not counted in ClinVar's aggregate classification.